The following is an entry in ClinVar:

NM_183357.3(ADCY5):c.1406+72_1406+73insCCTC

Gene: ADCY5 (adenylate cyclase 5; minus strand). Cytogenetic location: 3q21.1.
Variant type: Insertion.
Coding change: c.1406+72_1406+73insCCTC on transcript NM_183357.3 (MANE Select); bases 72 to 73 of the intron after coding-DNA position 1406, CCTC inserted.
Molecular consequence: intron variant.
Genome position: GRCh38 VCF-style: chr3-123347709-A-AAGGG. GRCh37 (hg19) VCF-style: chr3-123066556-A-AAGGG.
Other names: c.1406+72_1406+73insCCTC (NM_001378259.1); c.356+72_356+73insCCTC (NM_001199642.1).
Identifiers: ClinVar variation 3256822 (VCV003256822.2).
Genomic context (GRCh38, chr3:123,347,709, plus strand): 5'-ATGCTCTAGATGACACACTCCAAAGTCACCAAGCCACCCTGTCGGGCTGTGCCCACTTGA[A>AAGGG]AGGAAGTGGGATGTCTCCACAGGGGTCCAGCTCTCCCTCCCTTCCATCCTCCTCCCCCAG-3'

ClinVar aggregate classification (germline): Benign (1 of 4 stars; one submission).

Submission:

Unidad de Genómica Garrahan, Hospital de Pediatría Garrahan
Classification: Benign. Last evaluated: 2024-07-31. Review status: criteria provided, single submitter. Criteria: ACMG Guidelines, 2015. Collection method: clinical testing. Allele origin: germline. Affected: no. Observed: 25 variant alleles.
Comment: This variant is classified as Benign based on local population frequency. This variant was detected in 27% of patients studied in a panel designed for Epileptic and Developmental Encephalopathy, Progressive Myoclonus Epilepsy and Abnormal Movements and Neurodegeneration with brain iron accumulation. Number of patients: 25. Only high quality variants are reported.